The following is an entry in ClinVar:

NM_006009.4(TUBA1A):c.110C>T (p.Pro37Leu)

Gene: TUBA1A (tubulin alpha 1a; minus strand). Cytogenetic location: 12q13.12.
Variant type: single nucleotide variant.
Coding change: c.110C>T on transcript NM_006009.4 (MANE Select); coding-DNA position 110, C replaced by T.
Protein change: p.Pro37Leu; replaces proline 37 with leucine.
Molecular consequence: missense variant.
Genome position (GRCh38, 1-based): chr12:49,186,727, G>A on the plus strand (C>T on the coding strand, the complement: TUBA1A is on the minus strand). VCF-style: chr12-49186727-G-A. GRCh37 (hg19) VCF-style: chr12-49580510-G-A.
Other names: c.110C>T, p.Pro37Leu (NM_001270399.2); c.5C>T, p.Pro2Leu (NM_001270400.2); short protein forms P2L, P37L.
Identifiers: ClinVar variation 2851849 (VCV002851849.3), dbSNP rs2498863514, ClinGen allele CA384645436.
Genomic context (GRCh38, chr12:49,186,727, plus strand): 5'-CCCGTCTCACTGAAGAAGGTGTTGAAGGAATCATCTCCTCCCCCAATGGTCTTGTCACTT[G>A]GCATCTGGCCATCGGGCTGGATGCCGTGTTCCAGGCAGTAGAGCTCCCAGCAGGCATTGC-3'
Protein context (NP_006000.2, residues 27-47): EHGIQPDGQM[Pro37Leu]SDKTIGGGDD

ClinVar aggregate classification (germline): Likely pathogenic (1 of 4 stars; one submission).

Submission:

Labcorp Genetics (formerly Invitae), Labcorp
Classification: Likely pathogenic. Last evaluated: 2023-05-30. Review status: criteria provided, single submitter. Criteria: Invitae Variant Classification Sherloc (09022015). Collection method: clinical testing. Allele origin: germline.
Comment: This missense change has been observed in individual(s) with tubulinopathy (Invitae). In at least one individual the variant was observed to be de novo. Advanced modeling of protein sequence and biophysical properties (such as structural, functional, and spatial information, amino acid conservation, physicochemical variation, residue mobility, and thermodynamic stability) performed at Invitae indicates that this missense variant is not expected to disrupt TUBA1A protein function. In summary, the currently available evidence indicates that the variant is pathogenic, but additional data are needed to prove that conclusively. Therefore, this variant has been classified as Likely Pathogenic. This variant is not present in population databases (gnomAD no frequency). This sequence change replaces proline, which is neutral and non-polar, with leucine, which is neutral and non-polar, at codon 37 of the TUBA1A protein (p.Pro37Leu).